The following is an entry in ClinVar:

ClinVar aggregate classification (germline): Pathogenic (1 of 4 stars; one submission).

Conditions:
Bardet-Biedl syndrome (BBS). Identifiers: Orphanet 110, MedGen C0752166, MONDO:0015229.

Submission:

Labcorp Genetics (formerly Invitae), Labcorp
Classification: Pathogenic for Bardet-Biedl syndrome. Last evaluated: 2022-05-15. Review status: criteria provided, single submitter. Criteria: Invitae Variant Classification Sherloc (09022015). Collection method: clinical testing. Allele origin: germline.
Comment: For these reasons, this variant has been classified as Pathogenic. This variant disrupts a region of the BBS12 protein in which other variant(s) (p.Arg675*) have been determined to be pathogenic (PMID: 20827784, 21642631). This suggests that this is a clinically significant region of the protein, and that variants that disrupt it are likely to be disease-causing. This variant has not been reported in the literature in individuals affected with BBS12-related conditions. This variant is not present in population databases (gnomAD no frequency). This sequence change creates a premature translational stop signal (p.Leu404Valfs*21) in the BBS12 gene. While this is not anticipated to result in nonsense mediated decay, it is expected to disrupt the last 307 amino acid(s) of the BBS12 protein.

Literature cited by the submitters: PubMed 20827784; PubMed 21642631.

NM_152618.3(BBS12):c.1208dup (p.Leu404fs)

Gene: BBS12 (Bardet-Biedl syndrome 12; plus strand). Cytogenetic location: 4q27.
Variant type: Duplication.
Coding change: c.1208dup on transcript NM_152618.3 (MANE Select); coding-DNA position 1208, one base duplicated (T; older notation c.1208dupT).
Protein change: p.Leu404fs; shifts the reading frame from leucine 404.
Molecular consequence: frameshift variant.
Genome position (GRCh38, 1-based): chr4:122,743,100, T duplicated. VCF-style (leftmost placement, unchanged base first): chr4-122743099-G-GT. GRCh37 (hg19) VCF-style: chr4-123664254-G-GT.
Other names: c.1208dup, p.Leu404fs (NM_001178007.2); short protein forms L404fs.
Identifiers: ClinVar variation 1994803 (VCV001994803.5), dbSNP rs2485075691, ClinGen allele CA2580071469.